The following is an entry in ClinVar:

NM_170601.5(SIAE):c.1142_1145del (p.Lys381fs)

Gene: SIAE (sialic acid acetylesterase; minus strand). Cytogenetic location: 11q24.2.
Variant type: Deletion.
Coding change: c.1142_1145del on transcript NM_170601.5 (MANE Select); coding-DNA positions 1142 to 1145, 4 bases deleted (AACA; older notation c.1142_1145delAACA).
Protein change: p.Lys381fs; shifts the reading frame from lysine 381.
Molecular consequence: frameshift variant.
Genome position (GRCh38, 1-based): chr11:124,638,717-124,638,720, TGTT deleted on the plus strand (AACA on the coding strand, the reverse complement: SIAE is on the minus strand); deleting any 4 consecutive bases within chr11:124,638,717-124,638,721 gives the same sequence; the c. name uses the placement nearest the transcript's 3' end. VCF-style (leftmost placement, unchanged base first): chr11-124638716-CTGTT-C. GRCh37 (hg19) VCF-style: chr11-124508612-CTGTT-C.
Other names: c.1037_1040del, p.Lys346fs (NM_001199922.2); short protein forms K346fs, K381fs.
Identifiers: ClinVar variation 4737009 (VCV004737009.1).

ClinVar aggregate classification (germline): Uncertain significance (1 of 4 stars; one submission).

Submission:

Labcorp Genetics (formerly Invitae), Labcorp
Classification: Uncertain significance. Last evaluated: 2025-12-17. Review status: criteria provided, single submitter. Criteria: Invitae Variant Classification Sherloc (09022015). Collection method: clinical testing. Allele origin: germline.
Comment: This sequence change creates a premature translational stop signal (p.Lys381Argfs*21) in the SIAE gene. It is expected to result in an absent or disrupted protein product. However, the current clinical and genetic evidence is not sufficient to establish whether loss-of-function variants in SIAE cause disease. This variant is present in population databases (no rsID available, gnomAD 0.0009%). This variant has not been reported in the literature in individuals affected with SIAE-related conditions. In summary, the available evidence is currently insufficient to determine the role of this variant in disease. Therefore, it has been classified as a Variant of Uncertain Significance.